The following is an entry in ClinVar:

ClinVar aggregate classification (germline): Uncertain significance (1 of 4 stars; one submission).

Conditions:
Hereditary cancer-predisposing syndrome. Also called: Neoplastic Syndromes, Hereditary; Tumor predisposition; Hereditary Cancer Syndrome; Hereditary neoplastic syndrome. Identifiers: Orphanet 140162, MedGen C0027672, MeSH D009386, MONDO:0015356.

Submission:

Ambry Genetics
Classification: Uncertain significance for Hereditary cancer-predisposing syndrome. Last evaluated: 2022-04-08. Review status: criteria provided, single submitter. Criteria: Ambry Variant Classification Scheme 2023. Collection method: clinical testing. Allele origin: germline.
Comment: The p.S1106C variant (also known as c.3317C>G), located in coding exon 19 of the BRIP1 gene, results from a C to G substitution at nucleotide position 3317. The serine at codon 1106 is replaced by cysteine, an amino acid with dissimilar properties. This amino acid position is conserved. In addition, this alteration is predicted to be tolerated by in silico analysis. Since supporting evidence is limited at this time, the clinical significance of this alteration remains unclear.

NM_032043.3(BRIP1):c.3317C>G (p.Ser1106Cys)

Gene: BRIP1 (BRCA1 interacting DNA helicase 1; minus strand). Cytogenetic location: 17q23.2.
Variant type: single nucleotide variant.
Coding change: c.3317C>G on transcript NM_032043.3 (MANE Select); coding-DNA position 3317, C replaced by G.
Protein change: p.Ser1106Cys; replaces serine 1106 with cysteine.
Molecular consequence: missense variant.
Genome position (GRCh38, 1-based): chr17:61,683,729, G>C on the plus strand (C>G on the coding strand, the complement: BRIP1 is on the minus strand). VCF-style: chr17-61683729-G-C. GRCh37 (hg19) VCF-style: chr17-59761090-G-C.
Other names: short protein forms S1106C.
Identifiers: ClinVar variation 1730146 (VCV001730146.2), dbSNP rs2144080366, ClinGen allele CA400478992.